The following is an entry in ClinVar:

ClinVar aggregate classification (germline): Uncertain significance (1 of 4 stars; one submission).

Conditions:
Pontocerebellar hypoplasia type 4 (PCH4). Also called: Pontocerebellar Hypoplasia Type 4 (PCH4). Identifiers: Orphanet 166063, MedGen C1856974, MONDO:0009166, OMIM 225753.

Submission:

HudsonAlpha Institute for Biotechnology
Classification: Uncertain significance for Pontocerebellar hypoplasia type 4. Last evaluated: 2022-04-20. Review status: criteria provided, single submitter. Criteria: ACMG Guidelines, 2015. Collection method: research. Allele origin: paternal. Observed: 1 variant allele. Study: HudsonAlpha-AGHI-WGS.
Comment: ACMG codes: PM2, PM3

NM_207346.3(TSEN54):c.503T>G (p.Val168Gly)

Gene: TSEN54 (tRNA splicing endonuclease subunit 54; plus strand). Cytogenetic location: 17q25.1.
Variant type: single nucleotide variant.
Coding change: c.503T>G on transcript NM_207346.3 (MANE Select); coding-DNA position 503, T replaced by G.
Protein change: p.Val168Gly; replaces valine 168 with glycine.
Molecular consequence: missense variant.
Genome position (GRCh38, 1-based): chr17:75,519,029, T>G. VCF-style: chr17-75519029-T-G. GRCh37 (hg19) VCF-style: chr17-73515110-T-G.
Other names: short protein forms V168G.
Identifiers: ClinVar variation 1684518 (VCV001684518.1), dbSNP rs2147009566, ClinGen allele CA401027898.
Genomic context (GRCh38, chr17:75,519,029, plus strand): 5'-CTTTCATTTTTTTTTTTTCTTTTGAGGTCTTCAGCCACCTGAAGAGGTTGGGTTATGTGG[T>G]TCGACGATTCCAACCAAGGTAAATCCCCTTCCTGTTCCCCTTCCATATATTCTAGTCCTG-3'
Protein context (NP_997229.2, residues 158-178): FSHLKRLGYV[Val168Gly]RRFQPSSVLS